The following is an entry in ClinVar:

NM_001009944.3(PKD1):c.4064dup (p.Leu1357fs)

Gene: PKD1 (polycystin 1, transient receptor potential channel interacting; minus strand). Cytogenetic location: 16p13.3.
Variant type: Duplication.
Coding change: c.4064dup on transcript NM_001009944.3 (MANE Select); coding-DNA position 4064, one base duplicated (T; older notation c.4064dupT).
Protein change: p.Leu1357fs; shifts the reading frame from leucine 1357.
Molecular consequence: frameshift variant.
Genome position (GRCh38, 1-based): chr16:2,111,103, A duplicated on the plus strand (T on the coding strand, the reverse complement: PKD1 is on the minus strand); the first of 2 consecutive A bases (chr16:2,111,103-2,111,104); duplicating either gives the same sequence. VCF-style (leftmost placement, unchanged base first): chr16-2111102-G-GA. GRCh37 (hg19) VCF-style: chr16-2161103-G-GA.
Other names: c.4064dup, p.Leu1357fs (NM_000296.4); c.4064dupT (NM_001009944.2); short protein forms L1357fs.
Identifiers: ClinVar variation 3345895 (VCV003345895.1).
Genomic context (GRCh38, chr16:2,111,102, plus strand): 5'-GCAGATGCTGGTGAAGTAATGCGCCCTGTTCACGCGGCTGGACAGCACCAGCGCCAGGGG[G>GA]AACGTGCCGCTCCGCGTGAAGTTGTGTGTCACCGTCGGGCACCCCCGCACGGTCGTGTTG-3'

ClinVar aggregate classification (germline): Pathogenic (0 of 4 stars; one submission).

Conditions:
PKD1-related disorder. Also called: PKD1-related condition.

Submission:

PreventionGenetics, part of Exact Sciences
Classification: Pathogenic for PKD1-related condition. Last evaluated: 2024-06-20. Review status: no assertion criteria provided. Collection method: clinical testing. Allele origin: germline.
Comment: The PKD1 c.4064dupT variant is predicted to result in a frameshift and premature protein termination (p.Leu1357Profs*74). To our knowledge, this variant has not been reported in the literature or in a large population database, indicating this variant is rare. Frameshift variants in PKD1 are expected to be pathogenic. This variant is interpreted as pathogenic.